The following is an entry in ClinVar:

ClinVar aggregate classification (germline): Benign/Likely benign. Review status: criteria provided, multiple submitters, no conflicts (2 of 4 stars). 3 submissions from 3 submitters: Benign (1); Likely benign (1). 1 of the submissions does not count toward it. Last evaluated 2026-01-13.

Conditions:
TANGO2-related disorder. Also called: TANGO2-related condition.

Allele frequency attached by ClinVar (database versions not stated): gnomAD 0.00057 and 0.00060; 1000 Genomes Project 0.00140; 1000 Genomes Project 30x 0.00141; gnomAD exomes 0.00005 and 0.00019; ExAC 0.00025; ESP Exome Variant Server 0.00054; TOPMed 0.00056.
gnomAD v4.1: 164 of 1,613,522 alleles (0.01%); highest among the groups gnomAD compares: African/African-American, 0.2%; no homozygotes.

Submissions (3):

Labcorp Genetics (formerly Invitae), Labcorp
Classification: Benign. Last evaluated: 2026-01-13. Review status: criteria provided, single submitter. Criteria: Invitae Variant Classification Sherloc (09022015). Collection method: clinical testing. Allele origin: germline.

Blueprint Genetics
Classification: Likely benign. Last evaluated: 2024-10-03. Review status: criteria provided, single submitter. Criteria: ACMG Guidelines, 2015. Collection method: clinical testing. Allele origin: germline.

PreventionGenetics, part of Exact Sciences
Classification: Likely benign for TANGO2-related condition. Last evaluated: 2024-07-11. Review status: no assertion criteria provided. Collection method: clinical testing. Allele origin: germline. Not counted in ClinVar's aggregate classification.
Comment: This variant is classified as likely benign based on ACMG/AMP sequence variant interpretation guidelines (Richards et al. 2015 PMID: 25741868, with internal and published modifications).

NM_152906.7(TANGO2):c.648C>T (p.Tyr216=)

Gene: TANGO2 (transport and golgi organization 2 homolog; plus strand). Cytogenetic location: 22q11.21.
Variant type: single nucleotide variant.
Coding change: c.648C>T on transcript NM_152906.7 (MANE Select); coding-DNA position 648, C replaced by T.
Protein change: p.Tyr216=; no amino-acid change (tyrosine 216 retained).
Molecular consequence: synonymous variant. On other transcripts: missense variant (6), non-coding transcript variant (5), intron variant (1).
Genome position (GRCh38, 1-based): chr22:20,063,380, C>T. VCF-style: chr22-20063380-C-T. GRCh37 (hg19) VCF-style: chr22-20050903-C-T.
Other names: c.648C>T, p.Tyr216= (NM_001283106.3, NM_001283116.3, NM_001322142.2); c.771C>T, p.Tyr257= (NM_001283129.3, NM_001322141.2, NM_001322143.2); c.646C>T, p.Arg216Cys (NM_001283148.3, NM_001283154.3); c.462C>T, p.Tyr154= (NM_001283179.3, NM_001283186.3, NM_001322163.2 and 2 more transcripts); c.423C>T, p.Tyr141= (NM_001283199.3); c.354C>T, p.Tyr118= (NM_001283235.3, NM_001322150.2, NM_001322153.2 and 6 more transcripts); c.308C>T, p.Thr103Met (NM_001283248.3); c.769C>T, p.Arg257Cys (NM_001322144.2); and 6 more; short protein forms R154C, R182C, R216C, R257C, T103M.
Identifiers: ClinVar variation 1601294 (VCV001601294.10), dbSNP rs147638025, ClinGen allele CA10106518.